The following is an entry in ClinVar:

ClinVar aggregate classification (germline): Uncertain significance (1 of 4 stars; one submission).

Conditions:
Bethlem myopathy 1A. Also called: MYOPATHY, BENIGN CONGENITAL, WITH CONTRACTURES; Bethlem myopathy 1; Bethlem Muscular Dystrophy. Identifiers: Orphanet 610, MedGen CN029274, MONDO:0024530, OMIM 158810.

Submission:

Broad Center for Mendelian Genomics, Broad Institute of MIT and Harvard
Classification: Uncertain significance for Bethlem myopathy 1A. Last evaluated: 2023-05-02. Review status: criteria provided, single submitter. Criteria: ACMG Guidelines, 2015. Collection method: curation. Allele origin: germline. Inheritance: Autosomal dominant inheritance.
Comment: Trio exome analysis showed this variant to be de novo. The c.736-6T>C variant in COL6A2 has not been previously reported in individuals with Bethlem myopathy 1. This variant was absent from large population studies. This variant is located in the 3' splice region. Computational tools predict a splicing impact, though this information is not predictive enough to determine pathogenicity. In summary, while there is some suspicion for a pathogenic role, the clinical significance of this variant is uncertain. ACMG/AMP Criteria applied: PS2_Moderate, PM2_Supporting, PP3 (Richards 2015).

NM_001849.4(COL6A2):c.736-6T>C

Gene: COL6A2 (collagen type VI alpha 2 chain; plus strand). Cytogenetic location: 21q22.3.
Variant type: single nucleotide variant.
Coding change: c.736-6T>C on transcript NM_001849.4 (MANE Select); 6 bases into the intron before coding-DNA position 736, T replaced by C.
Molecular consequence: intron variant.
Genome position (GRCh38, 1-based): chr21:46,114,002, T>C. VCF-style: chr21-46114002-T-C. GRCh37 (hg19) VCF-style: chr21-47533916-T-C.
Other names: NM_058175.3:c.736-6T>C; c.736-6T>C (NM_058175.3, NM_058174.3).
Identifiers: ClinVar variation 2500968 (VCV002500968.1), dbSNP rs2516992819, ClinGen allele CA2573320703.